The following is an entry in ClinVar:

ClinVar aggregate classification (germline): Uncertain significance (1 of 4 stars; one submission).

Conditions:
Neurofibromatosis, type 1 (NF1). Also called: Peripheral type neurofibromatosis; Neurofibromatosis, type I; VON RECKLINGHAUSEN DISEASE; NEUROFIBROMATOSIS, TYPE I, SOMATIC. Identifiers: Orphanet 636, MedGen C0027831, MONDO:0018975, OMIM 162200. Disease mechanism: loss of function.

gnomAD v4.1: 1 of 1,613,874 alleles (0.000062%); highest among the groups gnomAD compares: Non-Finnish European, 0.000085%; no homozygotes.

Submission:

Labcorp Genetics (formerly Invitae), Labcorp
Classification: Uncertain significance for Neurofibromatosis, type 1. Last evaluated: 2025-10-18. Review status: criteria provided, single submitter. Criteria: Invitae Variant Classification Sherloc (09022015). Collection method: clinical testing. Allele origin: germline.
Comment: This sequence change replaces glutamine, which is neutral and polar, with arginine, which is basic and polar, at codon 1948 of the NF1 protein (p.Gln1948Arg). This variant is not present in population databases (gnomAD no frequency). This variant has not been reported in the literature in individuals affected with NF1-related conditions. ClinVar contains an entry for this variant (Variation ID: 2874351). Invitae Evidence Modeling of protein sequence and biophysical properties (such as structural, functional, and spatial information, amino acid conservation, physicochemical variation, residue mobility, and thermodynamic stability) indicates that this missense variant is not expected to disrupt NF1 protein function with a negative predictive value of 95%. In summary, the available evidence is currently insufficient to determine the role of this variant in disease. Therefore, it has been classified as a Variant of Uncertain Significance.

NM_001042492.3(NF1):c.5906A>G (p.Gln1969Arg)

Gene: NF1 (neurofibromin 1; plus strand). Cytogenetic location: 17q11.2.
Variant type: single nucleotide variant.
Coding change: c.5906A>G on transcript NM_001042492.3 (MANE Select); coding-DNA position 5906, A replaced by G.
Protein change: p.Gln1969Arg; replaces glutamine 1969 with arginine.
Molecular consequence: missense variant.
Genome position (GRCh38, 1-based): chr17:31,334,931, A>G. VCF-style: chr17-31334931-A-G. GRCh37 (hg19) VCF-style: chr17-29661949-A-G.
Other names: c.5843A>G, p.Gln1948Arg (NM_000267.4); short protein forms Q1969R, Q1948R.
Identifiers: ClinVar variation 2874351 (VCV002874351.3), dbSNP rs143502927, ClinGen allele CA399010761.